The following is an entry in ClinVar:

ClinVar aggregate classification (germline): Benign (1 of 4 stars; one submission).

Allele frequency attached by ClinVar (database versions not stated): gnomAD exomes 0.38636; 1000 Genomes Project 0.42312; 1000 Genomes Project 30x 0.43082; gnomAD 0.45069 and 0.45658; TOPMed 0.45482.
gnomAD v4.1: 259,083 of 644,374 alleles (40%); highest among the groups gnomAD compares: African/African-American, 63%; 55,074 homozygotes.

Submission:

GeneDx
Classification: Benign. Last evaluated: 2018-06-14. Review status: criteria provided, single submitter. Criteria: GeneDx Variant Classification (06012015). Collection method: clinical testing. Allele origin: germline. Affected: yes.
Comment: This variant is considered likely benign or benign based on one or more of the following criteria: it is a conservative change, it occurs at a poorly conserved position in the protein, it is predicted to be benign by multiple in silico algorithms, and/or has population frequency not consistent with disease.

NM_005751.5(AKAP9):c.3752-133C>T

Gene: AKAP9 (A-kinase anchoring protein 9; plus strand). Cytogenetic location: 7q21.2.
Variant type: single nucleotide variant.
Coding change: c.3752-133C>T on transcript NM_005751.5 (MANE Select); 133 bases into the intron before coding-DNA position 3752, C replaced by T.
Molecular consequence: intron variant.
Genome position (GRCh38, 1-based): chr7:92,016,884, C>T. VCF-style: chr7-92016884-C-T. GRCh37 (hg19) VCF-style: chr7-91646198-C-T.
Other names: c.3752-133C>T (NM_147185.3).
Identifiers: ClinVar variation 671866 (VCV000671866.1), dbSNP rs7788092, ClinGen allele CA161885662.